The following is an entry in ClinVar:

NM_001330691.3(CEP78):c.1737G>T (p.Ala579=)

Gene: CEP78 (centrosomal protein 78; plus strand). Cytogenetic location: 9q21.2.
Variant type: single nucleotide variant.
Coding change: c.1737G>T on transcript NM_001330691.3 (MANE Select); coding-DNA position 1737, G replaced by T.
Protein change: p.Ala579=; no amino-acid change (alanine 579 retained).
Molecular consequence: synonymous variant.
Genome position (GRCh38, 1-based): chr9:78,265,483, G>T. VCF-style: chr9-78265483-G-T. GRCh37 (hg19) VCF-style: chr9-80880399-G-T.
Other names: c.1740G>T, p.Ala580= (NM_001098802.3, NM_001349839.2, NM_001349840.2 and 1 more transcripts); c.1737G>T, p.Ala579= (NM_001330693.3, NM_001330694.2, NM_001349838.2); c.1740G>T (NM_001098802.1).
Identifiers: ClinVar variation 1164836 (VCV001164836.12), dbSNP rs189732612, ClinGen allele CA5095341.
Genomic context (GRCh38, chr9:78,265,483, plus strand): 5'-ACTAGGTCATCCCCAGATGACTTCTACTGTTAGTAATCCACCTAAAGAAGAAAAGAAGGC[G>T]CTTGAAGATGAAAAACCAGAACCGAAGCAGAATGCCCTAGGGCAAATGCAAAATATCCAG-3'
Protein context (NP_001317620.1, residues 569-589): VSNPPKEEKK[Ala579=]LEDEKPEPKQ

ClinVar aggregate classification (germline): Benign/Likely benign. Review status: criteria provided, multiple submitters, no conflicts (2 of 4 stars). 3 submissions from 3 submitters: Benign (1); Likely benign (1). 1 of the submissions does not count toward it. Last evaluated 2026-01-01.

Conditions:
CEP78-related disorder. Also called: CEP78-related condition.

Allele frequency attached by ClinVar (database versions not stated): 1000 Genomes Project 30x 0.00156; 1000 Genomes Project 0.00160.
gnomAD v4.1: 202 of 1,588,622 alleles (0.013%); highest among the groups gnomAD compares: East Asian, 0.34%; 2 homozygotes.

Submissions (3):

Labcorp Genetics (formerly Invitae), Labcorp
Classification: Benign. Last evaluated: 2026-01-01. Review status: criteria provided, single submitter. Criteria: Invitae Variant Classification Sherloc (09022015). Collection method: clinical testing. Allele origin: germline.

Blueprint Genetics
Classification: Likely benign. Last evaluated: 2024-05-28. Review status: criteria provided, single submitter. Criteria: ACMG Guidelines, 2015. Collection method: clinical testing. Allele origin: germline.

PreventionGenetics, part of Exact Sciences
Classification: Likely benign for CEP78-related condition. Last evaluated: 2019-03-22. Review status: no assertion criteria provided. Collection method: clinical testing. Allele origin: germline. Not counted in ClinVar's aggregate classification.
Comment: This variant is classified as likely benign based on ACMG/AMP sequence variant interpretation guidelines (Richards et al. 2015 PMID: 25741868, with internal and published modifications).